The following is an entry in ClinVar:

NM_025114.4(CEP290):c.4064G>A (p.Arg1355His)

Gene: CEP290 (centrosomal protein 290; minus strand). Cytogenetic location: 12q21.32.
Variant type: single nucleotide variant.
Coding change: c.4064G>A on transcript NM_025114.4 (MANE Select); coding-DNA position 4064, G replaced by A.
Protein change: p.Arg1355His; replaces arginine 1355 with histidine.
Molecular consequence: missense variant.
Genome position (GRCh38, 1-based): chr12:88,087,910, C>T on the plus strand (G>A on the coding strand, the complement: CEP290 is on the minus strand). VCF-style: chr12-88087910-C-T. GRCh37 (hg19) VCF-style: chr12-88481687-C-T.
Other names: short protein forms R1355H.
Identifiers: ClinVar variation 310604 (VCV000310604.20), dbSNP rs548558619, ClinGen allele CA10638682.

ClinVar aggregate classification (germline): Conflicting classifications of pathogenicity. Review status: criteria provided, conflicting classifications (1 of 4 stars). 12 submissions from 8 submitters: Uncertain significance (10); Likely benign (1). 1 of the submissions does not count toward it. Last evaluated 2026-09-25.

Conditions:
Inborn genetic diseases. Identifiers: MedGen C0950123, MeSH D030342.
Joubert syndrome. Also called: Familial aplasia of the vermis; JOUBERT-BOLTSHAUSER SYNDROME. Identifiers: Orphanet 475, MedGen C5979921, MONDO:0018772.
Meckel-Gruber syndrome. Also called: DYSENCEPHALIA SPLANCHNOCYSTICA; GRUBER SYNDROME; Dysencephalia splachnocystica. Identifiers: Orphanet 564, MedGen C0265215, MONDO:0018921.
Nephronophthisis. Also called: Juvenile Nephronophthisis. Identifiers: Orphanet 655, MedGen C0687120, MONDO:0019005, HP:0000090.
CEP290-related disorder. Also called: CEP290-related disorders; CEP290-related condition. Identifiers: MedGen CN239314.
Bardet-Biedl syndrome 14 (BBS14). Identifiers: Orphanet 110, MedGen C2673874, MONDO:0014442, OMIM 615991.
Leber congenital amaurosis (LCA). Also called: Leber's amaurosis. Identifiers: Orphanet 65, MedGen C0339527, MeSH D057130, MONDO:0018998.
Leber congenital amaurosis 10 (LCA10). Identifiers: Orphanet 65, MedGen C1857821, MONDO:0012723, OMIM 611755.
Meckel syndrome, type 4 (MKS4). Also called: MECKEL-GRUBER SYNDROME, TYPE 4. Identifiers: Orphanet 564, MedGen C1970161, MONDO:0012626, OMIM 611134.
Joubert syndrome 5 (JBTS5). Identifiers: Orphanet 2318, MedGen C1857780, MONDO:0012432, OMIM 610188.
Senior-Loken syndrome 6 (SLSN6). Identifiers: Orphanet 3156, MedGen C1857779, MONDO:0012433, OMIM 610189.

Allele frequency attached by ClinVar (database versions not stated): gnomAD exomes 0.00003 and 0.00005; gnomAD 0.00004; TOPMed 0.00005; 1000 Genomes Project 30x 0.00016; 1000 Genomes Project 0.00020.
gnomAD v4.1: 40 of 1,205,352 alleles (0.0033%); highest among the groups gnomAD compares: Middle Eastern, 0.021%; no homozygotes.

Submissions (12):

PreventionGenetics, part of Exact Sciences
Classification: Uncertain significance for CEP290-related condition. Last evaluated: 2026-09-25. Review status: criteria provided, single submitter. Criteria: ACMG Guidelines, 2015. Collection method: clinical testing. Allele origin: germline.
Comment: The CEP290 c.4064G>A variant is predicted to result in the amino acid substitution p.Arg1355His. To our knowledge, this variant has not been reported in the literature. This variant is reported in 0.020% of alleles in individuals of European (Finnish) descent in gnomAD. A different variant affecting the same amino acid (p.Arg1355Cys) was reported in an individual with autosomal recessive retinal disease (Table S1, Stone et al. 2017. PubMed ID: 28559085). At this time, the clinical significance of the c.4064G>A (p.Arg1355His) variant is uncertain due to the absence of conclusive functional and genetic evidence.

GeneDx
Classification: Uncertain significance. Last evaluated: 2025-04-27. Review status: criteria provided, single submitter. Criteria: GeneDx Variant Classification Process June 2021. Collection method: clinical testing. Allele origin: germline. Affected: yes.
Comment: In silico analysis supports that this missense variant has a deleterious effect on protein structure/function; Has not been previously published as pathogenic or benign to our knowledge

Ambry Genetics
Classification: Likely benign for Inborn genetic diseases. Last evaluated: 2025-04-15. Review status: criteria provided, single submitter. Criteria: Ambry Variant Classification Scheme 2023. Collection method: clinical testing. Allele origin: germline.

Blueprint Genetics
Classification: Uncertain significance. Last evaluated: 2024-01-22. Review status: criteria provided, single submitter. Criteria: ACMG Guidelines, 2015. Collection method: clinical testing. Allele origin: germline.

Labcorp Genetics (formerly Invitae), Labcorp
Classification: Uncertain significance for Joubert syndrome; Meckel-Gruber syndrome; Nephronophthisis. Last evaluated: 2022-10-28. Review status: criteria provided, single submitter. Criteria: Invitae Variant Classification Sherloc (09022015). Collection method: clinical testing. Allele origin: germline.
Comment: This sequence change replaces arginine, which is basic and polar, with histidine, which is basic and polar, at codon 1355 of the CEP290 protein (p.Arg1355His). The frequency data for this variant in the population databases is considered unreliable, as metrics indicate poor data quality at this position in the gnomAD database. This variant has not been reported in the literature in individuals affected with CEP290-related conditions. ClinVar contains an entry for this variant (Variation ID: 310604). Advanced modeling of protein sequence and biophysical properties (such as structural, functional, and spatial information, amino acid conservation, physicochemical variation, residue mobility, and thermodynamic stability) performed at Invitae indicates that this missense variant is not expected to disrupt CEP290 protein function. In summary, the available evidence is currently insufficient to determine the role of this variant in disease. Therefore, it has been classified as a Variant of Uncertain Significance.

Fulgent Genetics
Classification: Uncertain significance for Joubert syndrome 5; Senior-Loken syndrome 6; Meckel syndrome, type 4; Leber congenital amaurosis 10; Bardet-Biedl syndrome 14. Last evaluated: 2021-12-02. Review status: criteria provided, single submitter. Criteria: ACMG Guidelines, 2015. Collection method: clinical testing. Allele origin: unknown.

Illumina Laboratory Services, Illumina
Classification: Uncertain significance for Bardet-Biedl syndrome 14. Last evaluated: 2018-01-13. Review status: criteria provided, single submitter. Criteria: ICSL Variant Classification Criteria 13 December 2019. Collection method: clinical testing. Allele origin: germline.

Illumina Laboratory Services, Illumina
Classification: Uncertain significance for Leber congenital amaurosis 10. Last evaluated: 2018-01-13. Review status: criteria provided, single submitter. Criteria: ICSL Variant Classification Criteria 13 December 2019. Collection method: clinical testing. Allele origin: germline.

Illumina Laboratory Services, Illumina
Classification: Uncertain significance for Meckel syndrome, type 4. Last evaluated: 2018-01-13. Review status: criteria provided, single submitter. Criteria: ICSL Variant Classification Criteria 13 December 2019. Collection method: clinical testing. Allele origin: germline.

Illumina Laboratory Services, Illumina
Classification: Uncertain significance for Joubert syndrome 5. Last evaluated: 2018-01-13. Review status: criteria provided, single submitter. Criteria: ICSL Variant Classification Criteria 13 December 2019. Collection method: clinical testing. Allele origin: germline.

Illumina Laboratory Services, Illumina
Classification: Uncertain significance for Senior-Loken syndrome 6. Last evaluated: 2018-01-13. Review status: criteria provided, single submitter. Criteria: ICSL Variant Classification Criteria 13 December 2019. Collection method: clinical testing. Allele origin: germline.

Natera, Inc.
Classification: Uncertain significance for Leber congenital amaurosis. Last evaluated: 2019-10-28. Review status: no assertion criteria provided. Collection method: clinical testing. Allele origin: germline. Not counted in ClinVar's aggregate classification.